The following is an entry in ClinVar:

NM_173630.4(RTTN):c.6567G>A (p.Val2189=)

Gene: RTTN (rotatin; minus strand). Cytogenetic location: 18q22.2.
Variant type: single nucleotide variant.
Coding change: c.6567G>A on transcript NM_173630.4 (MANE Select); coding-DNA position 6567, G replaced by A.
Protein change: p.Val2189=; no amino-acid change (valine 2189 retained).
Molecular consequence: synonymous variant.
Genome position (GRCh38, 1-based): chr18:70,005,226, C>T on the plus strand (G>A on the coding strand, the complement: RTTN is on the minus strand). VCF-style: chr18-70005226-C-T. GRCh37 (hg19) VCF-style: chr18-67672462-C-T.
Other names: c.3831G>A, p.Val1277= (NM_001318520.2).
Identifiers: ClinVar variation 2416033 (VCV002416033.7), dbSNP rs781435816, ClinGen allele CA8994624.

ClinVar aggregate classification (germline): Uncertain significance (1 of 4 stars; one submission).

Allele frequency attached by ClinVar (database versions not stated): ExAC 0.00002; gnomAD 0.00003.
gnomAD v4.1: 148 of 1,612,368 alleles (0.0092%); highest among the groups gnomAD compares: Non-Finnish European, 0.012%; no homozygotes.

Submission:

Labcorp Genetics (formerly Invitae), Labcorp
Classification: Uncertain significance. Last evaluated: 2022-08-22. Review status: criteria provided, single submitter. Criteria: Invitae Variant Classification Sherloc (09022015). Collection method: clinical testing. Allele origin: germline.
Comment: In summary, the available evidence is currently insufficient to determine the role of this variant in disease. Therefore, it has been classified as a Variant of Uncertain Significance. Algorithms developed to predict the effect of sequence changes on RNA splicing suggest that this variant may disrupt the consensus splice site. This variant has not been reported in the literature in individuals affected with RTTN-related conditions. This variant is present in population databases (rs781435816, gnomAD 0.005%). This sequence change affects codon 2189 of the RTTN mRNA. It is a 'silent' change, meaning that it does not change the encoded amino acid sequence of the RTTN protein.